The following is an entry in ClinVar:

NM_001042492.3(NF1):c.5217A>T (p.Val1739=)

Gene: NF1 (neurofibromin 1; plus strand). Cytogenetic location: 17q11.2.
Variant type: single nucleotide variant.
Coding change: c.5217A>T on transcript NM_001042492.3 (MANE Select); coding-DNA position 5217, A replaced by T.
Protein change: p.Val1739=; no amino-acid change (valine 1739 retained).
Molecular consequence: synonymous variant.
Genome position (GRCh38, 1-based): chr17:31,326,201, A>T. VCF-style: chr17-31326201-A-T. GRCh37 (hg19) VCF-style: chr17-29653219-A-T.
Other names: c.5154A>T, p.Val1718= (NM_000267.4).
Identifiers: ClinVar variation 1915569 (VCV001915569.6), dbSNP rs1228790204, ClinGen allele CA499233215.
Genomic context (GRCh38, chr17:31,326,201, plus strand): 5'-AGAGCATGAACAACAGAAACTACCTGCTGCCACCTTGGCTTTAGAAGAGGACCTGAAGGT[A>T]TTCCACAATGCTCTCAAGCTAGCTCACAAAGACACCAAAGTTTCTATTAAAGTAAGTTCC-3'
Protein context (NP_001035957.1, residues 1729-1749): ATLALEEDLK[Val1739=]FHNALKLAHK

ClinVar aggregate classification (germline): Conflicting classifications of pathogenicity. Review status: criteria provided, conflicting classifications (1 of 4 stars). 2 submissions from 2 submitters: Uncertain significance (1); Likely benign (1). Last evaluated 2024-10-22.

Conditions:
Neurofibromatosis, type 1 (NF1). Also called: Peripheral type neurofibromatosis; Neurofibromatosis, type I; NEUROFIBROMATOSIS, TYPE I, SOMATIC; VON RECKLINGHAUSEN DISEASE. Identifiers: Orphanet 636, MedGen C0027831, MONDO:0018975, OMIM 162200. Disease mechanism: loss of function.
Hereditary cancer-predisposing syndrome. Also called: Neoplastic Syndromes, Hereditary; Tumor predisposition; Hereditary neoplastic syndrome; Hereditary Cancer Syndrome. Identifiers: Orphanet 140162, MedGen C0027672, MeSH D009386, MONDO:0015356.
Cardiovascular phenotype. Identifiers: MedGen CN230736.

Submissions (2):

Ambry Genetics
Classification: Likely benign for Cardiovascular phenotype; Hereditary cancer-predisposing syndrome. Last evaluated: 2024-10-22. Review status: criteria provided, single submitter. Criteria: Ambry Variant Classification Scheme 2023. Collection method: clinical testing. Allele origin: germline.

Labcorp Genetics (formerly Invitae), Labcorp
Classification: Uncertain significance for Neurofibromatosis, type 1. Last evaluated: 2022-04-22. Review status: criteria provided, single submitter. Criteria: Invitae Variant Classification Sherloc (09022015). Collection method: clinical testing. Allele origin: germline.
Comment: In summary, the available evidence is currently insufficient to determine the role of this variant in disease. Therefore, it has been classified as a Variant of Uncertain Significance. Algorithms developed to predict the effect of sequence changes on RNA splicing suggest that this variant may disrupt the consensus splice site. This variant has not been reported in the literature in individuals affected with NF1-related conditions. This variant is not present in population databases (gnomAD no frequency). This sequence change affects codon 1718 of the NF1 mRNA. It is a 'silent' change, meaning that it does not change the encoded amino acid sequence of the NF1 protein.